The following is an entry in ClinVar:

NM_174936.4(PCSK9):c.1870G>A (p.Val624Met)

Gene: PCSK9 (proprotein convertase subtilisin/kexin type 9; plus strand). Cytogenetic location: 1p32.3.
Variant type: single nucleotide variant.
Coding change: c.1870G>A on transcript NM_174936.4 (MANE Select); coding-DNA position 1870, G replaced by A.
Protein change: p.Val624Met; replaces valine 624 with methionine.
Molecular consequence: missense variant.
Genome position (GRCh38, 1-based): chr1:55,063,375, G>A. VCF-style: chr1-55063375-G-A. GRCh37 (hg19) VCF-style: chr1-55529048-G-A.
Other names: c.1993G>A, p.Val665Met (NM_001407240.1); c.1912G>A, p.Val638Met (NM_001407241.1); c.1873G>A, p.Val625Met (NM_001407242.1); c.1813G>A, p.Val605Met (NM_001407243.1); c.1696G>A, p.Val566Met (NM_001407244.1); c.1678G>A, p.Val560Met (NM_001407245.1); c.1495G>A, p.Val499Met (NM_001407246.1); c.1369G>A, p.Val457Met (NM_001407247.1); short protein forms V624M, V566M, V605M, V665M, V499M, V560M, V625M, V638M.
Identifiers: ClinVar variation 918639 (VCV000918639.10), dbSNP rs760437822, ClinGen allele CA039511.

ClinVar aggregate classification (germline): Uncertain significance. Review status: criteria provided, multiple submitters, no conflicts (2 of 4 stars). 3 submissions from 3 submitters: Uncertain significance (3). Last evaluated 2025-07-20.

Conditions:
Cardiovascular phenotype. Identifiers: MedGen CN230736.
Familial hypercholesterolemia. Also called: Familial hypercholesterolemias; Familial hypercholesterolaemia. Identifiers: MedGen C0020445, MONDO:0005439.
Hypercholesterolemia, autosomal dominant, 3 (FHCL3). Also called: Familial hypercholesterolemia 3; Familial Hypercholesterolemia, Autosomal Dominant, 3; PCSK9-Related Familial Hypercholesterolemia, Autosomal Dominant. Identifiers: MedGen C1863551, MONDO:0011369, OMIM 603776.

Allele frequency attached by ClinVar (database versions not stated): gnomAD 0.00001; TOPMed 0.00001; gnomAD exomes 0.00002 and 0.00004; ExAC 0.00005.
gnomAD v4.1: 36 of 1,613,430 alleles (0.0022%); highest among the groups gnomAD compares: East Asian, 0.011%; no homozygotes.

Submissions (3):

Color Diagnostics, LLC DBA Color Health
Classification: Uncertain significance for Familial hypercholesterolemia. Last evaluated: 2025-07-20. Review status: criteria provided, single submitter. Criteria: ACMG Guidelines, 2015. Collection method: clinical testing. Allele origin: germline.
Comment: This missense variant replaces valine with methionine at codon 624 of the PCSK9 protein. Computational prediction suggests that this variant may not impact protein structure and function. A functional study has shown that the variant causes increased proteolytic activity (PMID: 29259136). This variant has been reported in an individual affected with familial hypercholesterolemia (PMID: 17316651). This variant has been identified in 10/279050 chromosomes in the general population by the Genome Aggregation Database (gnomAD). The available evidence is insufficient to determine the role of this variant in disease conclusively. Therefore, this variant is classified as a Variant of Uncertain Significance.

All of Us Research Program, National Institutes of Health
Classification: Uncertain significance for Hypercholesterolemia, autosomal dominant, 3. Last evaluated: 2024-08-06. Review status: criteria provided, single submitter. Criteria: ACMG Guidelines, 2015. Collection method: clinical testing. Allele origin: germline. Inheritance: Autosomal dominant inheritance. Observed: 4 variant alleles, 4 heterozygotes.
Comment: This missense variant replaces valine with methionine at codon 624 of the PCSK9 protein. Computational prediction suggests that this variant may not impact protein structure and function (internally defined REVEL score threshold <= 0.5, PMID: 27666373). Splice site prediction tools suggest that this variant may not impact RNA splicing. A functional study has shown that the variant causes increased proteolytic activity (PMID: 29259136). This variant has been reported in an individual with high LDL-C levels (PMID: 17316651). This variant has been identified in 10/279050 chromosomes in the general population by the Genome Aggregation Database (gnomAD). The available evidence is insufficient to determine the role of this variant in disease conclusively. Therefore, this variant is classified as a Variant of Uncertain Significance.

This study involves interpretation of variants in research participants for the purpose of population health screening. Participant phenotype was not available at the time of variant classification. Additional details can be found in publication PMID: 35346344, PMCID: PMC8962531

Ambry Genetics
Classification: Uncertain significance for Cardiovascular phenotype. Last evaluated: 2023-11-20. Review status: criteria provided, single submitter. Criteria: Ambry Variant Classification Scheme 2023. Collection method: clinical testing. Allele origin: germline.
Comment: The c.1870G>A (p.V624M) alteration is located in coding exon 12 of the PCSK9 gene. This alteration results from a G to A substitution at nucleotide position 1870, causing the valine (V) at amino acid position 624 to be replaced by a methionine (M). Based on data from gnomAD, the A allele has an overall frequency of 0.004% (10/279050) total alleles studied. The highest observed frequency was 0.02% (4/19872) of East Asian alleles. This amino acid position is well conserved in available vertebrate species. The in silico prediction for this alteration is inconclusive. Based on insufficient or conflicting evidence, the clinical significance of this alteration remains unclear.

Literature cited by the submitters: PubMed 17316651 (cited by 3 submitters); PubMed 29259136 (cited by Color Diagnostics, LLC DBA Color Health and All of Us Research Program, National Institutes of Health).